The following is an entry in ClinVar:

NM_002528.7(NTHL1):c.317G>C (p.Gly106Ala)

Gene: NTHL1 (nth like DNA glycosylase 1; minus strand). Cytogenetic location: 16p13.3.
Variant type: single nucleotide variant.
Coding change: c.317G>C on transcript NM_002528.7 (MANE Select); coding-DNA position 317, G replaced by C.
Protein change: p.Gly106Ala; replaces glycine 106 with alanine.
Molecular consequence: missense variant. On other transcripts: intron variant (1).
Genome position (GRCh38, 1-based): chr16:2,046,165, C>G on the plus strand (G>C on the coding strand, the complement: NTHL1 is on the minus strand). VCF-style: chr16-2046165-C-G. GRCh37 (hg19) VCF-style: chr16-2096166-C-G.
Other names: c.317G>C, p.Gly106Ala (NM_001318193.2); c.24+115G>C (NM_001318194.2); short protein forms G106A.
Identifiers: ClinVar variation 2778392 (VCV002778392.3), dbSNP rs2548319405, ClinGen allele CA394295348.

ClinVar aggregate classification (germline): Uncertain significance (1 of 4 stars; one submission).

Submission:

Labcorp Genetics (formerly Invitae), Labcorp
Classification: Uncertain significance. Last evaluated: 2023-08-03. Review status: criteria provided, single submitter. Criteria: Invitae Variant Classification Sherloc (09022015). Collection method: clinical testing. Allele origin: germline.
Comment: In summary, the available evidence is currently insufficient to determine the role of this variant in disease. Therefore, it has been classified as a Variant of Uncertain Significance. An algorithm developed to predict the effect of missense changes on protein structure and function (PolyPhen-2) suggests that this variant is likely to be disruptive. This variant has not been reported in the literature in individuals affected with NTHL1-related conditions. This variant is not present in population databases (gnomAD no frequency). This sequence change replaces glycine, which is neutral and non-polar, with alanine, which is neutral and non-polar, at codon 114 of the NTHL1 protein (p.Gly114Ala).